The following is an entry in ClinVar:

ClinVar aggregate classification (germline): Uncertain significance. Review status: criteria provided, multiple submitters, no conflicts (2 of 4 stars). 2 submissions from 2 submitters: Uncertain significance (2). Last evaluated 2024-08-15.

Conditions:
Hereditary cancer-predisposing syndrome. Also called: Hereditary Cancer Syndrome; Tumor predisposition; Hereditary neoplastic syndrome; Neoplastic Syndromes, Hereditary. Identifiers: Orphanet 140162, MedGen C0027672, MeSH D009386, MONDO:0015356.
Familial adenomatous polyposis 1 (FAP1). Also called: POLYPOSIS, ADENOMATOUS INTESTINAL; FAMILIAL ADENOMATOUS POLYPOSIS 1, ATTENUATED. Identifiers: MedGen C2713442, MONDO:0021056, OMIM 175100. Disease mechanism: loss of function.

Allele frequency attached by ClinVar (database versions not stated): gnomAD exomes below 0.00001; gnomAD 0.00001; TOPMed 0.00001.
gnomAD v4.1: 2 of 1,614,002 alleles (0.00012%); highest among the groups gnomAD compares: Admixed American, 0.0017%; no homozygotes.

Submissions (2):

Labcorp Genetics (formerly Invitae), Labcorp
Classification: Uncertain significance for Familial adenomatous polyposis 1. Last evaluated: 2024-08-15. Review status: criteria provided, single submitter. Criteria: Invitae Variant Classification Sherloc (09022015). Collection method: clinical testing. Allele origin: germline.
Comment: This sequence change replaces threonine, which is neutral and polar, with serine, which is neutral and polar, at codon 1380 of the APC protein (p.Thr1380Ser). This variant is not present in population databases (gnomAD no frequency). This variant has not been reported in the literature in individuals affected with APC-related conditions. ClinVar contains an entry for this variant (Variation ID: 1044472). Invitae Evidence Modeling of protein sequence and biophysical properties (such as structural, functional, and spatial information, amino acid conservation, physicochemical variation, residue mobility, and thermodynamic stability) indicates that this missense variant is not expected to disrupt APC protein function with a negative predictive value of 95%. In summary, the available evidence is currently insufficient to determine the role of this variant in disease. Therefore, it has been classified as a Variant of Uncertain Significance.

Ambry Genetics
Classification: Uncertain significance for Hereditary cancer-predisposing syndrome. Last evaluated: 2022-09-16. Review status: criteria provided, single submitter. Criteria: Ambry Variant Classification Scheme 2023. Collection method: clinical testing. Allele origin: germline.
Comment: The p.T1380S variant (also known as c.4139C>G), located in coding exon 15 of the APC gene, results from a C to G substitution at nucleotide position 4139. The threonine at codon 1380 is replaced by serine, an amino acid with similar properties. This amino acid position is highly conserved in available vertebrate species. In addition, in silico predictors for this gene do not accurately predict pathogenicity. Since supporting evidence is limited at this time, the clinical significance of this alteration remains unclear.

NM_000038.6(APC):c.4139C>G (p.Thr1380Ser)

Gene: APC (APC regulator of Wnt signaling pathway; plus strand). Cytogenetic location: 5q22.2.
Variant type: single nucleotide variant.
Coding change: c.4139C>G on transcript NM_000038.6 (MANE Select); coding-DNA position 4139, C replaced by G.
Protein change: p.Thr1380Ser; replaces threonine 1380 with serine.
Molecular consequence: missense variant.
Genome position (GRCh38, 1-based): chr5:112,839,733, C>G. VCF-style: chr5-112839733-C-G. GRCh37 (hg19) VCF-style: chr5-112175430-C-G.
Other names: c.4139C>G, p.Thr1380Ser (NM_001127510.3, NM_001354895.2); c.4085C>G, p.Thr1362Ser (NM_001127511.3); c.4193C>G, p.Thr1398Ser (NM_001354896.2); c.4169C>G, p.Thr1390Ser (NM_001354897.2); c.4064C>G, p.Thr1355Ser (NM_001354898.2); c.4055C>G, p.Thr1352Ser (NM_001354899.2); c.4016C>G, p.Thr1339Ser (NM_001354900.2); c.3962C>G, p.Thr1321Ser (NM_001354901.2); and 5 more; short protein forms T1220S, T1362S, T1398S, T1254S, T1321S, T1355S, T1097S, T1289S.
Identifiers: ClinVar variation 1044472 (VCV001044472.48), dbSNP rs876660713, ClinGen allele CA16030400.